The following is an entry in ClinVar:

NM_002103.5(GYS1):c.1309-3C>T

Gene: GYS1 (glycogen synthase 1; minus strand). Cytogenetic location: 19q13.33.
Variant type: single nucleotide variant.
Coding change: c.1309-3C>T on transcript NM_002103.5 (MANE Select); 3 bases into the intron before coding-DNA position 1309, C replaced by T.
Molecular consequence: intron variant.
Genome position (GRCh38, 1-based): chr19:48,974,736, G>A on the plus strand (C>T on the coding strand, the complement: GYS1 is on the minus strand). VCF-style: chr19-48974736-G-A. GRCh37 (hg19) VCF-style: chr19-49477993-G-A.
Other names: c.1117-3C>T (NM_001161587.2).
Identifiers: ClinVar variation 3383812 (VCV003383812.1).

ClinVar aggregate classification (germline): Uncertain significance (1 of 4 stars; one submission).

gnomAD v4.1: 4 of 1,597,106 alleles (0.00025%); highest among the groups gnomAD compares: African/African-American, 0.004%; no homozygotes.

Submission:

GeneDx
Classification: Uncertain significance. Last evaluated: 2024-05-29. Review status: criteria provided, single submitter. Criteria: GeneDx Variant Classification Process June 2021. Collection method: clinical testing. Allele origin: germline. Affected: yes.
Comment: Not observed at significant frequency in large population cohorts (gnomAD); In silico analysis indicates that this variant does not alter splicing; Has not been previously published as pathogenic or benign to our knowledge